The following is an entry in ClinVar:

ClinVar aggregate classification (germline): Uncertain significance (0 of 4 stars; one submission).

Conditions:
FNBP4-related disorder. Also called: FNBP4-related condition.

Submission:

PreventionGenetics, part of Exact Sciences
Classification: Uncertain significance for FNBP4-related condition. Last evaluated: 2024-03-27. Review status: no assertion criteria provided. Collection method: clinical testing. Allele origin: germline.
Comment: The FNBP4 c.1909_1911delGAA variant is predicted to result in an in-frame deletion (p.Glu637del). To our knowledge, this variant has not been reported in the literature. This variant is reported in 0.047% of alleles in individuals of European (Non-Finnish) descent in gnomAD. At this time, the clinical significance of this variant is uncertain due to the absence of conclusive functional and genetic evidence.

NM_015308.5(FNBP4):c.1894GAA[3] (p.Glu635del)

Gene: FNBP4 (formin binding protein 4; minus strand). Cytogenetic location: 11p11.2.
Variant type: Microsatellite.
Coding change: c.1894GAA[3] on transcript NM_015308.5 (MANE Select); three copies in a row of the 3-base unit GAA starting at c.1894; the reference has four copies in a row; one copy, 3 bases deleted.
Protein change: p.Glu635del; deletes glutamic acid 635.
Molecular consequence: inframe deletion. On other transcripts: inframe indel (1).
Genome position (GRCh38, 1-based): chr11:47,731,477-47,731,479, TTC deleted on the plus strand (GAA on the coding strand, the reverse complement: FNBP4 is on the minus strand); deleting any 3 consecutive bases within chr11:47,731,477-47,731,488 gives the same sequence; the position shown is the placement nearest the transcript's 3' end. VCF-style (leftmost placement, unchanged base first): chr11-47731476-TTTC-T. GRCh37 (hg19) VCF-style: chr11-47753028-TTTC-T.
Other names: c.1900_1902GAA[3], p.Glu637del (NM_001318339.4); short protein forms E635del, E637del.
Identifiers: ClinVar variation 3347580 (VCV003347580.1).